The following is an entry in ClinVar:

ClinVar aggregate classification (germline): Pathogenic/Likely pathogenic. Review status: criteria provided, multiple submitters, no conflicts (2 of 4 stars). 3 submissions from 3 submitters: Pathogenic (1); Likely pathogenic (2). Last evaluated 2025-10-19.

Conditions:
Mandibulofacial dysostosis-microcephaly syndrome (MFDGA). Also called: Growth and mental retardation, mandibulofacial dysostosis, microcephaly, and cleft palate; Mandibulofacial dysostosis, Guion-Almeida type. Identifiers: Orphanet 79113, MedGen C1864652, MONDO:0012516, OMIM 610536.

Submissions (3):

Laboratorio de Genetica e Diagnostico Molecular, Hospital Israelita Albert Einstein
Classification: Likely pathogenic for Mandibulofacial dysostosis-microcephaly syndrome. Last evaluated: 2025-10-19. Review status: criteria provided, single submitter. Criteria: ACMG Guidelines, 2015. Collection method: clinical testing. Allele origin: germline. Affected: yes.
Comment: ACMG classification criteria: PVS1 very strong, PM2 supporting

Variantyx, Inc.
Classification: Likely pathogenic for Mandibulofacial dysostosis-microcephaly syndrome. Last evaluated: 2025-08-18. Review status: criteria provided, single submitter. Criteria: Variantyx Assertion Criteria 2022. Collection method: clinical testing. Allele origin: de novo. Inheritance: Autosomal dominant inheritance. Affected: yes.
Comment: This is a canonical splicing variant in the EFTUD2 gene (OMIM: 603892). Pathogenic variants in this gene have been associated with autosomal dominant mandibulofacial dysostosis with microcephaly. The clinical symptoms reported for this individual are highly specific for autosomal dominant mandibulofacial dysostosis with microcephaly, which has a limited genetic etiology (PMID: 24999515)¬ PP4). The alteration is absent from control populations (PM2). Loss of function is a known disease mechanism for EFTUD2 in this disorder (PMID: 23188108, 22305528). However, the functional consequence of this splicing variant cannot be predicted with certainty (PVS1_Moderate). Based on the current evidence, this variant is classified as likely pathogenic for autosomal dominant mandibulofacial dysostosis with microcephaly.

GeneDx
Classification: Pathogenic. Last evaluated: 2022-03-21. Review status: criteria provided, single submitter. Criteria: GeneDx Variant Classification Process June 2021. Collection method: clinical testing. Allele origin: germline. Affected: yes.
Comment: Canonical splice site variant predicted to result in a null allele in a gene for which loss-of-function is a known mechanism of disease; Not observed at significant frequency in large population cohorts (gnomAD); Has not been previously published as pathogenic or benign to our knowledge

Literature cited by the submitters: PubMed 23188108 (cited by Variantyx, Inc.); PubMed 22305528 (cited by Variantyx, Inc.).

NM_004247.4(EFTUD2):c.703-2A>G

Gene: EFTUD2 (elongation factor Tu GTP binding domain containing 2; minus strand). Cytogenetic location: 17q21.31.
Variant type: single nucleotide variant.
Coding change: c.703-2A>G on transcript NM_004247.4 (MANE Select); the canonical splice acceptor site of the intron before coding-DNA position 703, A replaced by G.
Molecular consequence: splice acceptor variant.
Genome position (GRCh38, 1-based): chr17:44,876,102, T>C on the plus strand (A>G on the coding strand, the complement: EFTUD2 is on the minus strand). VCF-style: chr17-44876102-T-C. GRCh37 (hg19) VCF-style: chr17-42953470-T-C.
Other names: c.598-2A>G (NM_001142605.2); c.673-2A>G (NM_001258354.2); c.703-2A>G (NM_001258353.2).
Identifiers: ClinVar variation 1526378 (VCV001526378.4), dbSNP rs2145517131, ClinGen allele CA399820129.